The following is an entry in ClinVar:

NM_001283009.2(RTEL1):c.470A>G (p.His157Arg)

Genes: RTEL1 (regulator of telomere elongation helicase 1; plus strand), RTEL1-TNFRSF6B (RTEL1-TNFRSF6B readthrough (NMD candidate); plus strand). Cytogenetic location: 20q13.33.
Variant type: single nucleotide variant.
Coding change: c.470A>G on transcript NM_001283009.2 (MANE Select); coding-DNA position 470, A replaced by G.
Protein change: p.His157Arg; replaces histidine 157 with arginine.
Molecular consequence: missense variant. On other transcripts: non-coding transcript variant (1), 5 prime UTR variant (1).
Genome position (GRCh38, 1-based): chr20:63,662,620, A>G. VCF-style: chr20-63662620-A-G. GRCh37 (hg19) VCF-style: chr20-62293973-A-G.
Other names: c.-200A>G (NM_001283010.1); c.470A>G, p.His157Arg (NM_016434.4); c.542A>G, p.His181Arg (NM_032957.5); short protein forms H181R, H157R.
Identifiers: ClinVar variation 3948375 (VCV003948375.2).

ClinVar aggregate classification (germline): Uncertain significance. Review status: criteria provided, multiple submitters, no conflicts (2 of 4 stars). 2 submissions from 2 submitters: Uncertain significance (2). Last evaluated 2025-10-29.

Conditions:
Dyskeratosis congenita, autosomal recessive 5 (DKCB5). Identifiers: MedGen C3554656, MONDO:0014076, OMIM 615190.
Pulmonary fibrosis and/or bone marrow failure, Telomere-related, 3. Also called: PULMONARY FIBROSIS AND/OR BONE MARROW FAILURE SYNDROME, TELOMERE-RELATED, 3. Identifiers: Orphanet 2032, MedGen C4225346, MONDO:0014613, OMIM 616373.
Inborn genetic diseases. Identifiers: MedGen C0950123, MeSH D030342.

gnomAD v4.1: 1 of 1,613,984 alleles (0.000062%); no homozygotes.

Submissions (2):

Labcorp Genetics (formerly Invitae), Labcorp
Classification: Uncertain significance for Dyskeratosis congenita, autosomal recessive 5; Pulmonary fibrosis and/or bone marrow failure, Telomere-related, 3. Last evaluated: 2025-10-29. Review status: criteria provided, single submitter. Criteria: Invitae Variant Classification Sherloc (09022015). Collection method: clinical testing. Allele origin: germline.
Comment: This sequence change replaces histidine, which is basic and polar, with arginine, which is basic and polar, at codon 157 of the RTEL1 protein (p.His157Arg). This variant is not present in population databases (gnomAD no frequency). This variant has not been reported in the literature in individuals affected with RTEL1-related conditions. ClinVar contains an entry for this variant (Variation ID: 3948375). An algorithm developed to predict the effect of missense changes on protein structure and function (PolyPhen-2) suggests that this variant is likely to be disruptive. In summary, the available evidence is currently insufficient to determine the role of this variant in disease. Therefore, it has been classified as a Variant of Uncertain Significance.

Ambry Genetics
Classification: Uncertain significance for Inborn genetic diseases. Last evaluated: 2025-05-05. Review status: criteria provided, single submitter. Criteria: Ambry Variant Classification Scheme 2023. Collection method: clinical testing. Allele origin: germline.
Comment: The p.H157R variant (also known as c.470A>G), located in coding exon 4 of the RTEL1 gene, results from an A to G substitution at nucleotide position 470. The histidine at codon 157 is replaced by arginine, an amino acid with highly similar properties. This amino acid position is conserved. In addition, the in silico prediction for this alteration is inconclusive. Based on the available evidence, the clinical significance of this variant remains unclear.